The following is an entry in ClinVar:

ClinVar aggregate classification (germline): Uncertain significance (1 of 4 stars; one submission).

Conditions:
Hypertrophic cardiomyopathy 20. Identifiers: MedGen C3151267, MONDO:0013477, OMIM 613876.
Dilated cardiomyopathy 1CC (CMD1CC). Identifiers: Orphanet 154, MedGen C2751084, MONDO:0013147, OMIM 613122.

Submission:

Center for Genomics, Ann and Robert H. Lurie Children's Hospital of Chicago
Classification: Uncertain significance for Dilated cardiomyopathy 1CC; Hypertrophic cardiomyopathy 20. Review status: criteria provided, single submitter. Criteria: ACMG Guidelines, 2015. Collection method: clinical testing. Allele origin: germline.
Comment: NEXN NM_144573.3 exon 13 p.Glu561_Glu562del (c.1668_1673del): This variant has been reported in the literature in one individual with DCM (Walsh 2017 PMID:27532257). This variant is also present in 0.2% (72/24124) of African alleles in the Genome Aggregation Database and is present in ClinVar (Variation ID:47893). Evolutionary conservation and computational predictive tools for this variant are limited or unavailable. This variant represents an in-frame deletion of 2 amino acids at positions 561 and 562 within a repeat region and is not predicted to alter the reading frame. However, the effect of this variant on the protein is unclear. In summary, data on this variant is insufficient for disease classification. Therefore, the clinical significance of this variant is uncertain.

NM_144573.4(NEXN):c.1668_1673del (p.Glu561_Glu562del)

Gene: NEXN (nexilin F-actin binding protein; plus strand). Cytogenetic location: 1p31.1.
Variant type: Deletion.
Coding change: c.1668_1673del on transcript NM_144573.4 (MANE Select); coding-DNA positions 1668 to 1673, 6 bases deleted (AGAGGA; older notation c.1668_1673delAGAGGA).
Protein change: p.Glu561_Glu562del.
Molecular consequence: inframe deletion.
Genome position (GRCh38, 1-based): chr1:77,942,469-77,942,474, AGAGGA deleted; deleting any 6 consecutive bases within chr1:77,942,467-77,942,474 gives the same sequence; the c. name uses the placement nearest the transcript's 3' end. VCF-style (leftmost placement, unchanged base first): chr1-77942466-AGAAGAG-A. GRCh37 (hg19) VCF-style: chr1-78408151-AGAAGAG-A.
Other names: c.1476_1481del, p.Glu497_Glu498del (NM_001172309.2).
Identifiers: ClinVar variation 2501770 (VCV002501770.2), dbSNP rs2523307894, ClinGen allele CA2580611171.
Genomic context (GRCh38, chr1:77,942,466, plus strand): 5'-TCGCTGCCCTGAAAATACTATAAATGCCAACCTGAATGCATTTATTTTAATACAGAAAAG[AGAAGAG>A]GAGGAGGAGGAAGAAGGTAGCATCATGAATGGCTCCACTGCTGAAGATGAAGAGCAAACC-3'